The following is an entry in ClinVar:

NM_005297.4(MCHR1):c.77C>T (p.Ser26Leu)

Gene: MCHR1 (melanin concentrating hormone receptor 1; plus strand). Cytogenetic location: 22q13.2.
Variant type: single nucleotide variant.
Coding change: c.77C>T on transcript NM_005297.4 (MANE Select); coding-DNA position 77, C replaced by T.
Protein change: p.Ser26Leu; replaces serine 26 with leucine.
Molecular consequence: missense variant.
Genome position (GRCh38, 1-based): chr22:40,679,729, C>T. VCF-style: chr22-40679729-C-T. GRCh37 (hg19) VCF-style: chr22-41075733-C-T.
Other names: short protein forms S26L.
Identifiers: ClinVar variation 2323427 (VCV002323427.3), dbSNP rs142851281, ClinGen allele CA10250155.
Genomic context (GRCh38, chr22:40,679,729, plus strand): 5'-CGCTGCTGCCCACTGGTCCCAACGCCAGCAACACCTCTGATGGCCCCGATAACCTCACTT[C>T]GGCAGGTGAGTTGACTGGGAGCCCTCCCTCCTCTGGGCTGTGGGTGGAAAATGGGAAGGT-3'
Protein context (NP_005288.4, residues 16-36): NTSDGPDNLT[Ser26Leu]AGSPPRTGSI

ClinVar aggregate classification (germline): Uncertain significance. Review status: criteria provided, multiple submitters, no conflicts (2 of 4 stars). 2 submissions from 2 submitters: Uncertain significance (2). Last evaluated 2026-05-01.

Conditions:
MCHR1-related disorder. Also called: MCHR1-related condition.

Allele frequency attached by ClinVar (database versions not stated): 1000 Genomes Project 30x 0.00016; gnomAD 0.00038; ESP Exome Variant Server 0.00054.

Submissions (2):

PreventionGenetics, part of Exact Sciences
Classification: Uncertain significance for MCHR1-related condition. Last evaluated: 2026-05-01. Review status: criteria provided, single submitter. Criteria: ACMG Guidelines, 2015. Collection method: clinical testing. Allele origin: germline.
Comment: The MCHR1 c.284C>T variant is predicted to result in the amino acid substitution p.Ser95Leu. To our knowledge, this variant has not been reported in the literature. This variant is reported in 0.097% of alleles in individuals of Ashkenazi Jewish descent in gnomAD, which may be too frequent to be a primary cause of disease. At this time, the clinical significance of this variant is uncertain due to the absence of conclusive functional and genetic evidence.

Ambry Genetics
Classification: Uncertain significance. Last evaluated: 2021-07-06. Review status: criteria provided, single submitter. Criteria: Ambry Variant Classification Scheme 2023. Collection method: clinical testing. Allele origin: germline.